The following is an entry in ClinVar:

NM_198252.3(GSN):c.2171G>A (p.Arg724Lys)

Gene: GSN (gelsolin; plus strand). Cytogenetic location: 9q33.2.
Variant type: single nucleotide variant.
Coding change: c.2171G>A on transcript NM_198252.3 (MANE Select); coding-DNA position 2171, G replaced by A.
Protein change: p.Arg724Lys; replaces arginine 724 with lysine.
Molecular consequence: missense variant.
Genome position (GRCh38, 1-based): chr9:121,332,578, G>A. VCF-style: chr9-121332578-G-A. GRCh37 (hg19) VCF-style: chr9-124094856-G-A.
Other names: c.2324G>A, p.Arg775Lys (NM_000177.5); c.2171G>A, p.Arg724Lys (NM_001127662.2, NM_001127664.2, NM_001127665.2 and 10 more transcripts); c.2279G>A, p.Arg760Lys (NM_001127663.2); c.2204G>A, p.Arg735Lys (NM_001127666.2, NM_001127667.2, NM_001353063.2 and 13 more transcripts); c.2222G>A, p.Arg741Lys (NM_001258029.2); c.2195G>A, p.Arg732Lys (NM_001258030.2); c.2243G>A, p.Arg748Lys (NM_001353076.2); c.1517G>A, p.Arg506Lys (NM_001353078.2); short protein forms R724K, R760K, R735K, R741K, R732K, R506K, R748K, R775K.
Identifiers: ClinVar variation 2836771 (VCV002836771.3), dbSNP rs2064077331, ClinGen allele CA374760644.
Genomic context (GRCh38, chr9:121,332,578, plus strand): 5'-CCTTTGTGGGCTGGTTCCTTGGCTGGGATGATGATTACTGGTCTGTGGACCCCTTGGACA[G>A]GGCCATGGCTGAGCTGGCTGCCTGAGGAGGGGCAGGGCCCACCCATGTCACCGGTCAGTG-3'
Protein context (NP_937895.1, residues 714-731): DDYWSVDPLD[Arg724Lys]AMAELAA

ClinVar aggregate classification (germline): Uncertain significance (1 of 4 stars; one submission).

Allele frequency attached by ClinVar (database versions not stated): TOPMed below 0.00001.

Submission:

Labcorp Genetics (formerly Invitae), Labcorp
Classification: Uncertain significance. Last evaluated: 2024-01-24. Review status: criteria provided, single submitter. Criteria: Invitae Variant Classification Sherloc (09022015). Collection method: clinical testing. Allele origin: germline.
Comment: This sequence change replaces arginine, which is basic and polar, with lysine, which is basic and polar, at codon 775 of the GSN protein (p.Arg775Lys). This variant is not present in population databases (gnomAD no frequency). This variant has not been reported in the literature in individuals affected with GSN-related conditions. An algorithm developed to predict the effect of missense changes on protein structure and function (PolyPhen-2) suggests that this variant is likely to be tolerated. In summary, the available evidence is currently insufficient to determine the role of this variant in disease. Therefore, it has been classified as a Variant of Uncertain Significance.